The following is an entry in ClinVar:

NM_000277.3(PAH):c.581T>G (p.Leu194Arg)

Gene: PAH (phenylalanine hydroxylase; minus strand). Cytogenetic location: 12q23.2.
Variant type: single nucleotide variant.
Coding change: c.581T>G on transcript NM_000277.3 (MANE Select); coding-DNA position 581, T replaced by G.
Protein change: p.Leu194Arg; replaces leucine 194 with arginine.
Molecular consequence: missense variant.
Genome position (GRCh38, 1-based): chr12:102,855,261, A>C on the plus strand (T>G on the coding strand, the complement: PAH is on the minus strand). VCF-style: chr12-102855261-A-C. GRCh37 (hg19) VCF-style: chr12-103249039-A-C.
Other names: c.581T>G, p.Leu194Arg (NM_001354304.2); short protein forms L194R.
Identifiers: ClinVar variation 3629828 (VCV003629828.1).

ClinVar aggregate classification (germline): Likely pathogenic (1 of 4 stars; one submission).

Conditions:
Phenylketonuria (PKU). Also called: FOLLING DISEASE; OLIGOPHRENIA PHENYLPYRUVICA; Phenylketonurias; Phenylketonuria (PKU). Identifiers: Orphanet 716, MedGen C0031485, MONDO:0009861, OMIM 261600. Disease mechanism: loss of function.

gnomAD v4.1: 5 of 1,614,120 alleles (0.00031%); highest among the groups gnomAD compares: Non-Finnish European, 0.00042%; no homozygotes.

Submission:

Women's Health and Genetics/Laboratory Corporation of America, LabCorp
Classification: Likely pathogenic for Phenylketonuria. Last evaluated: 2024-11-04. Review status: criteria provided, single submitter. Criteria: LabCorp Variant Classification Summary - May 2015. Collection method: clinical testing. Allele origin: germline.
Comment: Variant summary: PAH c.581T>G (p.Leu194Arg) results in a non-conservative amino acid change located in the Biopterin-dependent aromatic amino acid hydroxylase domain (IPR019774) of the encoded protein sequence. Five of five in-silico tools predict a damaging effect of the variant on protein function. The variant was absent in 251338 control chromosomes. c.581T>G has been reported in the literature in homozygous and compound heterozygous individuals affected with Phenylalanine Hydroxylase Deficiency (Phenylketonuria) (e.g. Ben-Rebeh_2012, Zare-Karizi_2011). These data indicate that the variant may be associated with disease. To our knowledge, no experimental evidence demonstrating an impact on protein function has been reported. A different variant located at the same codon (c.581T>C, p.Leu194Pro) has been classified as pathogenic in ClinVar supporting a critical relevance of this residue to PAH protein function. The following publications have been ascertained in the context of this evaluation (PMID: 22106832, 20920871). No submitters have cited clinical-significance assessments for this variant to ClinVar. Based on the evidence outlined above, the variant was classified as likely pathogenic.

Literature cited by the submitters: PubMed 20920871; PubMed 22106832.